The following is an entry in ClinVar:

NM_014363.6(SACS):c.4298G>A (p.Trp1433Ter)

Gene: SACS (sacsin molecular chaperone; minus strand). Cytogenetic location: 13q12.12.
Variant type: single nucleotide variant.
Coding change: c.4298G>A on transcript NM_014363.6 (MANE Select); coding-DNA position 4298, G replaced by A.
Protein change: p.Trp1433Ter; replaces tryptophan 1433 with a stop codon.
Molecular consequence: nonsense.
Genome position (GRCh38, 1-based): chr13:23,339,578, C>T on the plus strand (G>A on the coding strand, the complement: SACS is on the minus strand). VCF-style: chr13-23339578-C-T. GRCh37 (hg19) VCF-style: chr13-23913717-C-T.
Other names: c.3857G>A, p.Trp1286Ter (NM_001278055.2); c.4298G>A (NM_014363.5); short protein forms W1433*, W1286*.
Identifiers: ClinVar variation 371000 (VCV000371000.5), dbSNP rs1057516930, ClinGen allele CA16041638.

ClinVar aggregate classification (germline): Pathogenic/Likely pathogenic. Review status: criteria provided, multiple submitters, no conflicts (2 of 4 stars). 3 submissions from 3 submitters: Pathogenic (1); Likely pathogenic (1). 1 of the submissions does not count toward it. Last evaluated 2026-01-08.

Conditions:
Spastic paraplegia. Identifiers: MedGen C0037772, HP:0001258.
Charlevoix-Saguenay spastic ataxia (SACS). Also called: Spastic ataxia of Charlevoix-Saguenay; SPASTIC ATAXIA 6, AUTOSOMAL RECESSIVE; AUTOSOMAL RECESSIVE SPASTIC ATAXIA OF CHARLEVOIX-SAGUENAY. Identifiers: Orphanet 98, MedGen C1849140, MONDO:0010041, OMIM 270550.

Submissions (3):

Natera, Inc.
Classification: Likely pathogenic for Charlevoix-Saguenay type spastic ataxia. Last evaluated: 2026-01-08. Review status: criteria provided, single submitter. Criteria: Natera Variant Classification Schema (03/2026). Collection method: clinical testing. Allele origin: germline.
Comment: The c.4298G>A variant in SACS is a nonsense variant predicted to introduce a stop codon at amino acid 1433. This variant is expected to result in nonsense mediated decay, truncation, or a dysfunctional protein product. This variant is rare in the general population with a frequency below the threshold expected for the associated phenotype(s). Given the available evidence, this variant is classified as Likely Pathogenic.

Labcorp Genetics (formerly Invitae), Labcorp
Classification: Pathogenic for Spastic paraplegia. Last evaluated: 2025-09-16. Review status: criteria provided, single submitter. Criteria: Invitae Variant Classification Sherloc (09022015). Collection method: clinical testing. Allele origin: germline.
Comment: This sequence change creates a premature translational stop signal (p.Trp1433*) in the SACS gene. While this is not anticipated to result in nonsense mediated decay, it is expected to disrupt the last 3147 amino acid(s) of the SACS protein. This variant is not present in population databases (gnomAD no frequency). This variant has not been reported in the literature in individuals affected with SACS-related conditions. ClinVar contains an entry for this variant (Variation ID: 371000). This variant disrupts a region of the SACS protein in which other variant(s) (p.Leu4451Pro) have been determined to be pathogenic (PMID: 23785480, 26288984). This suggests that this is a clinically significant region of the protein, and that variants that disrupt it are likely to be disease-causing. For these reasons, this variant has been classified as Pathogenic.

Counsyl
Classification: Likely pathogenic for Charlevoix-Saguenay spastic ataxia. Last evaluated: 2016-06-01. Review status: no assertion criteria provided. Collection method: clinical testing. Allele origin: unknown. Not counted in ClinVar's aggregate classification.

Literature cited by the submitters: PubMed 23785480 (cited by Labcorp Genetics (formerly Invitae), Labcorp); PubMed 26288984 (cited by Labcorp Genetics (formerly Invitae), Labcorp).